The following is an entry in ClinVar:

NM_001999.4(FBN2):c.2874G>A (p.Glu958=)

Gene: FBN2 (fibrillin 2; minus strand). Cytogenetic location: 5q23.3.
Variant type: single nucleotide variant.
Coding change: c.2874G>A on transcript NM_001999.4 (MANE Select); coding-DNA position 2874, G replaced by A.
Protein change: p.Glu958=; no amino-acid change (glutamic acid 958 retained).
Molecular consequence: synonymous variant.
Genome position (GRCh38, 1-based): chr5:128,349,462, C>T on the plus strand (G>A on the coding strand, the complement: FBN2 is on the minus strand). VCF-style: chr5-128349462-C-T. GRCh37 (hg19) VCF-style: chr5-127685154-C-T.
Identifiers: ClinVar variation 528438 (VCV000528438.14), dbSNP rs765859878, ClinGen allele CA3395401.
Genomic context (GRCh38, chr5:128,349,462, plus strand): 5'-AAAAGATCCCTTACTGTTGACACAGCGTCCATTTGGACAAACGCCAGGGAACACCTCACA[C>T]TCATTAACATCTGCAGGGAAATGCAGCAAGCAGAGGAGCAAAGATGTTACAAATAGAAAA-3'
Protein context (NP_001990.2, residues 948-968): IKGVTCEDVN[Glu958=]CEVFPGVCPN

ClinVar aggregate classification (germline): Likely benign. Review status: criteria provided, multiple submitters, no conflicts (2 of 4 stars). 3 submissions from 3 submitters: Likely benign (3). Last evaluated 2025-10-08.

Conditions:
Familial thoracic aortic aneurysm and aortic dissection (TAAD). Also called: Thoracic aortic aneurysms and dissections. Identifiers: Orphanet 91387, MedGen C4707243, MONDO:0019625.
Congenital contractural arachnodactyly (CCA). Also called: Beals-Hecht syndrome; BEALS SYNDROME; Arthrogryposis, distal, type 9. Identifiers: Orphanet 115, MedGen C0220668, MONDO:0007363, OMIM 121050.

Allele frequency attached by ClinVar (database versions not stated): gnomAD 0.00001 and 0.00003; gnomAD exomes 0.00002 and 0.00006; TOPMed 0.00004; ExAC 0.00004.
gnomAD v4.1: 31 of 1,613,832 alleles (0.0019%); highest among the groups gnomAD compares: East Asian, 0.069%; no homozygotes.

Submissions (3):

Labcorp Genetics (formerly Invitae), Labcorp
Classification: Likely benign for Congenital contractural arachnodactyly. Last evaluated: 2025-10-08. Review status: criteria provided, single submitter. Criteria: Invitae Variant Classification Sherloc (09022015). Collection method: clinical testing. Allele origin: germline.

Ambry Genetics
Classification: Likely benign for Familial thoracic aortic aneurysm and aortic dissection. Last evaluated: 2018-05-02. Review status: criteria provided, single submitter. Criteria: Ambry Variant Classification Scheme 2023. Collection method: clinical testing. Allele origin: germline.

Illumina Laboratory Services, Illumina
Classification: Likely benign for Congenital contractural arachnodactyly. Last evaluated: 2018-01-12. Review status: criteria provided, single submitter. Criteria: ICSL Variant Classification Criteria 13 December 2019. Collection method: clinical testing. Allele origin: germline.
Comment: This variant was observed in the ICSL laboratory as part of a predisposition screen in an ostensibly healthy population. It had not been previously curated by ICSL or reported in the Human Gene Mutation Database (HGMD: prior to June 1st, 2018), and was therefore a candidate for classification through an automated scoring system. Utilizing variant allele frequency, disease prevalence and penetrance estimates, and inheritance mode, an automated score was calculated to assess if this variant is too frequent to cause the disease. Based on the score and internal cut-off values, a variant classified as likely benign is not then subjected to further curation. The score for this variant resulted in a classification of likely benign for this disease.